The following is an entry in ClinVar:

NM_001805.4(CEBPE):c.554A>C (p.Lys185Thr)

Gene: CEBPE (CCAAT enhancer binding protein epsilon; minus strand). Cytogenetic location: 14q11.2.
Variant type: single nucleotide variant.
Coding change: c.554A>C on transcript NM_001805.4 (MANE Select); coding-DNA position 554, A replaced by C.
Protein change: p.Lys185Thr; replaces lysine 185 with threonine.
Molecular consequence: missense variant.
Genome position (GRCh38, 1-based): chr14:23,117,779, T>G on the plus strand (A>C on the coding strand, the complement: CEBPE is on the minus strand). VCF-style: chr14-23117779-T-G. GRCh37 (hg19) VCF-style: chr14-23586988-T-G.
Other names: short protein forms K185T.
Identifiers: ClinVar variation 1986808 (VCV001986808.4), dbSNP rs2501818016, ClinGen allele CA388952219.
Genomic context (GRCh38, chr14:23,117,779, plus strand): 5'-AGGCTATCTTTGTTCACTGCCTTCTTGCCCTTGTGTAAGGGGCCAGCCGGGGAGGGCGCC[T>G]TCAGGAGGGGACTGCAGGGGGGTGCGGCAGTGGCCAAAGGGGCCTGGAGGGGAAGGCACG-3'
Protein context (NP_001796.2, residues 175-195): TAAPPCSPLL[Lys185Thr]APSPAGPLHK

ClinVar aggregate classification (germline): Uncertain significance (1 of 4 stars; one submission).

Conditions:
Specific granule deficiency. Identifiers: Orphanet 169142, MedGen C0398593, MONDO:0009506.

Submission:

Labcorp Genetics (formerly Invitae), Labcorp
Classification: Uncertain significance for Specific granule deficiency. Last evaluated: 2022-03-18. Review status: criteria provided, single submitter. Criteria: Invitae Variant Classification Sherloc (09022015). Collection method: clinical testing. Allele origin: germline.
Comment: In summary, the available evidence is currently insufficient to determine the role of this variant in disease. Therefore, it has been classified as a Variant of Uncertain Significance. Algorithms developed to predict the effect of missense changes on protein structure and function are either unavailable or do not agree on the potential impact of this missense change (SIFT: "Tolerated"; PolyPhen-2: "Probably Damaging"; Align-GVGD: "Class C15"). This sequence change replaces lysine, which is basic and polar, with threonine, which is neutral and polar, at codon 185 of the CEBPE protein (p.Lys185Thr). This variant is not present in population databases (gnomAD no frequency). This variant has not been reported in the literature in individuals affected with CEBPE-related conditions.